The following is an entry in ClinVar:

ClinVar aggregate classification (germline): Uncertain significance (1 of 4 stars; one submission).

Conditions:
Familial focal epilepsy with variable foci (FPEVF). Identifiers: Orphanet 98820, MedGen C1858477, MONDO:0020310.

Submission:

Labcorp Genetics (formerly Invitae), Labcorp
Classification: Uncertain significance for Familial focal epilepsy with variable foci. Last evaluated: 2025-12-09. Review status: criteria provided, single submitter. Criteria: Invitae Variant Classification Sherloc (09022015). Collection method: clinical testing. Allele origin: germline.
Comment: This sequence change replaces glutamic acid, which is acidic and polar, with glutamine, which is neutral and polar, at codon 882 of the DEPDC5 protein (p.Glu882Gln). This variant is not present in population databases (gnomAD no frequency). This variant has not been reported in the literature in individuals affected with DEPDC5-related conditions. Experimental studies and prediction algorithms are not available or were not evaluated, and the functional significance of this variant is currently unknown. In summary, the available evidence is currently insufficient to determine the role of this variant in disease. Therefore, it has been classified as a Variant of Uncertain Significance.

NM_001242896.3(DEPDC5):c.2644G>C (p.Glu882Gln)

Gene: DEPDC5 (DEP domain containing 5, GATOR1 subcomplex subunit; plus strand). Cytogenetic location: 22q12.3.
Variant type: single nucleotide variant.
Coding change: c.2644G>C on transcript NM_001242896.3 (MANE Select); coding-DNA position 2644, G replaced by C.
Protein change: p.Glu882Gln; replaces glutamic acid 882 with glutamine.
Molecular consequence: missense variant. On other transcripts: non-coding transcript variant (5).
Genome position (GRCh38, 1-based): chr22:31,843,655, G>C. VCF-style: chr22-31843655-G-C. GRCh37 (hg19) VCF-style: chr22-32239641-G-C.
Other names: c.2617G>C, p.Glu873Gln (NM_001136029.4, NM_001369903.1, NM_014662.6); c.2410G>C, p.Glu804Gln (NM_001242897.2, NM_001363854.2, NM_001364319.2); c.2644G>C, p.Glu882Gln (NM_001363852.2, NM_001364318.2, NM_001364320.2); c.2560G>C, p.Glu854Gln (NM_001369901.1, NM_001369902.1); short protein forms E873Q, E804Q, E854Q, E882Q.
Identifiers: ClinVar variation 4732864 (VCV004732864.1).